The following is an entry in ClinVar:

NM_004130.4(GYG1):c.529A>G (p.Thr177Ala)

Gene: GYG1 (glycogenin 1; plus strand). Cytogenetic location: 3q24.
Variant type: single nucleotide variant.
Coding change: c.529A>G on transcript NM_004130.4 (MANE Select); coding-DNA position 529, A replaced by G.
Protein change: p.Thr177Ala; replaces threonine 177 with alanine.
Molecular consequence: missense variant.
Genome position (GRCh38, 1-based): chr3:149,009,323, A>G. VCF-style: chr3-149009323-A-G. GRCh37 (hg19) VCF-style: chr3-148727110-A-G.
Other names: c.529A>G (NM_004130.3); c.529A>G, p.Thr177Ala (NM_001184720.2, NM_001184721.2); short protein forms T177A.
Identifiers: ClinVar variation 1990146 (VCV001990146.2), dbSNP rs767717284, ClinGen allele CA2658581.
Genomic context (GRCh38, chr3:149,009,323, plus strand): 5'-TTTTTTCTTTTAGGTGGGGACCAAGGCATACTGAACACATTTTTTAGCAGCTGGGCAACA[A>G]CAGATATCAGAAAACACCTGCCGTTTATTTATAACCTAAGCAGCATCTCTATATACTCCT-3'
Protein context (NP_004121.2, residues 167-187): LNTFFSSWAT[Thr177Ala]DIRKHLPFIY

ClinVar aggregate classification (germline): Uncertain significance. Review status: criteria provided, multiple submitters, no conflicts (2 of 4 stars). 2 submissions from 2 submitters: Uncertain significance (2). Last evaluated 2025-12-16.

Conditions:
Inborn genetic diseases. Identifiers: MedGen C0950123, MeSH D030342.
Polyglucosan body myopathy type 2. Identifiers: Orphanet 456369, MedGen C4015452, MONDO:0014526, OMIM 616199.
Glycogen storage disease XV (GSD15). Also called: GLYCOGENIN DEFICIENCY; GSD XV. Identifiers: Orphanet 263297, MedGen C3150754, MONDO:0013291, OMIM 613507.

Allele frequency attached by ClinVar (database versions not stated): gnomAD exomes below 0.00001; ExAC 0.00001; gnomAD 0.00001; TOPMed 0.00002.
gnomAD v4.1: 5 of 1,613,268 alleles (0.00031%); highest among the groups gnomAD compares: South Asian, 0.0044%; no homozygotes.

Submissions (2):

Ambry Genetics
Classification: Uncertain significance for Inborn genetic diseases. Last evaluated: 2025-12-16. Review status: criteria provided, single submitter. Criteria: Ambry Variant Classification Scheme 2023. Collection method: clinical testing. Allele origin: germline.

Labcorp Genetics (formerly Invitae), Labcorp
Classification: Uncertain significance for Polyglucosan body myopathy type 2; Glycogen storage disease XV. Last evaluated: 2022-08-22. Review status: criteria provided, single submitter. Criteria: Invitae Variant Classification Sherloc (09022015). Collection method: clinical testing. Allele origin: germline.
Comment: This sequence change replaces threonine, which is neutral and polar, with alanine, which is neutral and non-polar, at codon 177 of the GYG1 protein (p.Thr177Ala). This variant is present in population databases (rs767717284, gnomAD 0.003%). This variant has not been reported in the literature in individuals affected with GYG1-related conditions. Algorithms developed to predict the effect of missense changes on protein structure and function output the following: SIFT: "Tolerated"; PolyPhen-2: "Benign"; Align-GVGD: "Class C0". The alanine amino acid residue is found in multiple mammalian species, which suggests that this missense change does not adversely affect protein function. In summary, the available evidence is currently insufficient to determine the role of this variant in disease. Therefore, it has been classified as a Variant of Uncertain Significance.